The following is an entry in ClinVar:

NM_004329.3(BMPR1A):c.742G>A (p.Val248Ile)

Gene: BMPR1A (bone morphogenetic protein receptor type 1A; plus strand). Cytogenetic location: 10q23.2.
Variant type: single nucleotide variant.
Coding change: c.742G>A on transcript NM_004329.3 (MANE Select); coding-DNA position 742, G replaced by A.
Protein change: p.Val248Ile; replaces valine 248 with isoleucine.
Molecular consequence: missense variant. On other transcripts: non-coding transcript variant (3).
Genome position (GRCh38, 1-based): chr10:86,917,200, G>A. VCF-style: chr10-86917200-G-A. GRCh37 (hg19) VCF-style: chr10-88676957-G-A.
Other names: c.817G>A, p.Val273Ile (NM_001406559.1); c.790G>A, p.Val264Ile (NM_001406560.1); c.742G>A, p.Val248Ile (NM_001406561.1, NM_001406562.1, NM_001406563.1 and 19 more transcripts); c.736G>A, p.Val246Ile (NM_001406583.1); c.658G>A, p.Val220Ile (NM_001406584.1, NM_001406585.1, NM_001406586.1 and 2 more transcripts); c.400G>A, p.Val134Ile (NM_001406589.1); short protein forms V134I, V246I, V248I, V273I, V220I, V264I.
Identifiers: ClinVar variation 3261219 (VCV003261219.1).

ClinVar aggregate classification (germline): Uncertain significance (1 of 4 stars; one submission).

Conditions:
Hereditary cancer-predisposing syndrome. Also called: Hereditary Cancer Syndrome; Tumor predisposition; Hereditary neoplastic syndrome; Neoplastic Syndromes, Hereditary. Identifiers: Orphanet 140162, MedGen C0027672, MeSH D009386, MONDO:0015356.

Submission:

Ambry Genetics
Classification: Uncertain significance for Hereditary cancer-predisposing syndrome. Last evaluated: 2024-04-28. Review status: criteria provided, single submitter. Criteria: Ambry Variant Classification Scheme 2023. Collection method: clinical testing. Allele origin: germline.
Comment: The p.V248I variant (also known as c.742G>A), located in coding exon 7 of the BMPR1A gene, results from a G to A substitution at nucleotide position 742. The valine at codon 248 is replaced by isoleucine, an amino acid with highly similar properties. This amino acid position is conserved. In addition, this alteration is predicted to be deleterious by in silico analysis. Based on the available evidence, the clinical significance of this variant remains unclear.